The following is an entry in ClinVar:

NM_015021.3(ZNF292):c.3241A>G (p.Ser1081Gly)

Gene: ZNF292 (zinc finger protein 292; plus strand). Cytogenetic location: 6q14.3.
Variant type: single nucleotide variant.
Coding change: c.3241A>G on transcript NM_015021.3 (MANE Select); coding-DNA position 3241, A replaced by G.
Protein change: p.Ser1081Gly; replaces serine 1081 with glycine.
Molecular consequence: missense variant.
Genome position (GRCh38, 1-based): chr6:87,256,870, A>G. VCF-style: chr6-87256870-A-G. GRCh37 (hg19) VCF-style: chr6-87966588-A-G.
Other names: c.2821A>G, p.Ser941Gly (NM_001351444.2); short protein forms S1081G, S941G.
Identifiers: ClinVar variation 4881166 (VCV004881166.2).

ClinVar aggregate classification (germline): Uncertain significance (1 of 4 stars; one submission).

Conditions:
Intellectual developmental disorder, autosomal dominant 64. Also called: MENTAL RETARDATION, AUTOSOMAL DOMINANT 64. Identifiers: MedGen C5543067, MONDO:0030934, OMIM 619188.

Submission:

Dasa
Classification: Uncertain significance for Intellectual developmental disorder, autosomal dominant 64. Last evaluated: 2025-06-20. Review status: criteria provided, single submitter. Criteria: DASA Assertion Criteria. Collection method: clinical testing. Allele origin: germline.
Comment: NM_015021.3(ZNF292):c.3241A>G (p.Ser1081Gly) is a missense variant that results in the substitution of serine with glycine. This variant is absent from population databases. Computational prediction algorithms are consistent with a benign effect. The currently available literature and clinical evidence are not sufficient to establish a definitive association between this variant and the reported condition. Therefore, this variant is classified as a variant of uncertain significance.